The following is an entry in ClinVar:

ClinVar aggregate classification (germline): Uncertain significance (1 of 4 stars; one submission).

Conditions:
Developmental and epileptic encephalopathy, 14 (DEE14). Also called: Early infantile epileptic encephalopathy 14. Identifiers: Orphanet 293181, MedGen C3554195, MONDO:0013989, OMIM 614959.
Autosomal dominant nocturnal frontal lobe epilepsy 5. Also called: KCNT1-Related Epilepsy; Epilepsy, nocturnal frontal lobe, 5; CILIARY DYSKINESIA, PRIMARY, 28, WITHOUT SITUS INVERSUS; CILIARY DYSKINESIA, PRIMARY, 28, WITH SITUS INVERSUS. Identifiers: Orphanet 98784, MedGen C3554306, MONDO:0014002, OMIM 615005.

Allele frequency attached by ClinVar (database versions not stated): gnomAD 0.00001; TOPMed 0.00001; gnomAD exomes 0.00004.
gnomAD v4.1: 58 of 1,611,404 alleles (0.0036%); highest among the groups gnomAD compares: Non-Finnish European, 0.0048%; no homozygotes.

Submission:

Labcorp Genetics (formerly Invitae), Labcorp
Classification: Uncertain significance for Autosomal dominant nocturnal frontal lobe epilepsy 5; Developmental and epileptic encephalopathy, 14. Last evaluated: 2024-09-16. Review status: criteria provided, single submitter. Criteria: Invitae Variant Classification Sherloc (09022015). Collection method: clinical testing. Allele origin: germline.
Comment: This sequence change replaces alanine, which is neutral and non-polar, with valine, which is neutral and non-polar, at codon 165 of the KCNT1 protein (p.Ala165Val). This variant is not present in population databases (gnomAD no frequency). This variant has not been reported in the literature in individuals affected with KCNT1-related conditions. ClinVar contains an entry for this variant (Variation ID: 1514435). An algorithm developed to predict the effect of missense changes on protein structure and function (PolyPhen-2) suggests that this variant is likely to be tolerated. In summary, the available evidence is currently insufficient to determine the role of this variant in disease. Therefore, it has been classified as a Variant of Uncertain Significance.

NM_020822.3(KCNT1):c.494C>T (p.Ala165Val)

Gene: KCNT1 (potassium sodium-activated channel subfamily T member 1; plus strand). Cytogenetic location: 9q34.3.
Variant type: single nucleotide variant.
Coding change: c.494C>T on transcript NM_020822.3 (MANE Select); coding-DNA position 494, C replaced by T.
Protein change: p.Ala165Val; replaces alanine 165 with valine.
Molecular consequence: missense variant.
Genome position (GRCh38, 1-based): chr9:135,755,123, C>T. VCF-style: chr9-135755123-C-T. GRCh37 (hg19) VCF-style: chr9-138646969-C-T.
Other names: c.350C>T, p.Ala117Val (NM_001272003.2); short protein forms A117V, A165V.
Identifiers: ClinVar variation 1514435 (VCV001514435.6), dbSNP rs1359744304, ClinGen allele CA375496413.